The following is an entry in ClinVar:

ClinVar aggregate classification (germline): Pathogenic (1 of 4 stars; one submission).

Conditions:
Neurofibromatosis, type 1 (NF1). Also called: VON RECKLINGHAUSEN DISEASE; Peripheral type neurofibromatosis; NEUROFIBROMATOSIS, TYPE I, SOMATIC; Neurofibromatosis, type I. Identifiers: Orphanet 636, MedGen C0027831, MONDO:0018975, OMIM 162200. Disease mechanism: loss of function.

Submission:

Labcorp Genetics (formerly Invitae), Labcorp
Classification: Pathogenic for Neurofibromatosis, type 1. Last evaluated: 2020-02-21. Review status: criteria provided, single submitter. Criteria: Invitae Variant Classification Sherloc (09022015). Collection method: clinical testing. Allele origin: germline.
Comment: For these reasons, this variant has been classified as Pathogenic. Loss-of-function variants in NF1 are known to be pathogenic (PMID: 10712197, 23913538). This variant has not been reported in the literature in individuals with NF1-related conditions. This variant is not present in population databases (ExAC no frequency). This sequence change creates a premature translational stop signal (p.Ala2694Cysfs*15) in the NF1 gene. It is expected to result in an absent or disrupted protein product.

Literature cited by the submitters: PubMed 10712197; PubMed 23913538.

NM_001042492.3(NF1):c.8142dup (p.Ala2715fs)

Gene: NF1 (neurofibromin 1; plus strand). Cytogenetic location: 17q11.2.
Variant type: Duplication.
Coding change: c.8142dup on transcript NM_001042492.3 (MANE Select); coding-DNA position 8142, one base duplicated (T; older notation c.8142dupT).
Protein change: p.Ala2715fs; shifts the reading frame from alanine 2715.
Molecular consequence: frameshift variant.
Genome position (GRCh38, 1-based): chr17:31,358,997, T duplicated; the last of 3 consecutive T bases (chr17:31,358,995-31,358,997); duplicating any one gives the same sequence. VCF-style (leftmost placement, unchanged base first): chr17-31358994-G-GT. GRCh37 (hg19) VCF-style: chr17-29686012-G-GT.
Other names: c.8079dup, p.Ala2694Cysfs (NM_000267.4); short protein forms A2694fs, A2715fs.
Identifiers: ClinVar variation 1075957 (VCV001075957.5), dbSNP rs2070340004, ClinGen allele CA2499224252.